The following is an entry in ClinVar:

ClinVar aggregate classification (germline): Uncertain significance (1 of 4 stars; one submission).

Allele frequency attached by ClinVar (database versions not stated): gnomAD 0.00001.
gnomAD v4.1: 6 of 1,517,468 alleles (0.0004%); highest among the groups gnomAD compares: Middle Eastern, 0.042%; no homozygotes.

Submission:

Labcorp Genetics (formerly Invitae), Labcorp
Classification: Uncertain significance. Last evaluated: 2024-10-21. Review status: criteria provided, single submitter. Criteria: Invitae Variant Classification Sherloc (09022015). Collection method: clinical testing. Allele origin: germline.
Comment: This sequence change replaces proline, which is neutral and non-polar, with leucine, which is neutral and non-polar, at codon 26 of the IL6R protein (p.Pro26Leu). This variant is not present in population databases (gnomAD no frequency). This variant has not been reported in the literature in individuals affected with IL6R-related conditions. ClinVar contains an entry for this variant (Variation ID: 1509450). Experimental studies and prediction algorithms are not available or were not evaluated, and the functional significance of this variant is currently unknown. In summary, the available evidence is currently insufficient to determine the role of this variant in disease. Therefore, it has been classified as a Variant of Uncertain Significance.

NM_000565.4(IL6R):c.77C>T (p.Pro26Leu)

Genes: IL6R (interleukin 6 receptor; plus strand), IL6R-AS1 (IL6R antisense RNA 1; minus strand). Cytogenetic location: 1q21.3.
Variant type: single nucleotide variant.
Coding change: c.77C>T on transcript NM_000565.4 (MANE Select); coding-DNA position 77, C replaced by T.
Protein change: p.Pro26Leu; replaces proline 26 with leucine.
Molecular consequence: missense variant.
Genome position (GRCh38, 1-based): chr1:154,405,706, C>T. VCF-style: chr1-154405706-C-T. GRCh37 (hg19) VCF-style: chr1-154378182-C-T.
Other names: c.77C>T, p.Pro26Leu (NM_001206866.2, NM_001382769.1, NM_001382770.1 and 5 more transcripts); short protein forms P26L.
Identifiers: ClinVar variation 1509450 (VCV001509450.6), dbSNP rs1392150709, ClinGen allele CA342595705.